The following is an entry in ClinVar:

ClinVar aggregate classification (germline): Benign/Likely benign. Review status: criteria provided, multiple submitters, no conflicts (2 of 4 stars). 14 submissions from 14 submitters: Benign (10); Likely benign (2). 2 of the submissions do not count toward it. Last evaluated 2026-03-04.

Conditions:
AXIN2-related disorder.
Hereditary cancer-predisposing syndrome. Also called: Neoplastic Syndromes, Hereditary; Hereditary Cancer Syndrome; Tumor predisposition; Hereditary neoplastic syndrome. Identifiers: Orphanet 140162, MedGen C0027672, MeSH D009386, MONDO:0015356.
Oligodontia-cancer predisposition syndrome. Also called: TOOTH AGENESIS-COLORECTAL CANCER SYNDROME. Identifiers: Orphanet 300576, MedGen C1837750, MONDO:0012075, OMIM 608615. Disease mechanism: loss of function.

Allele frequency attached by ClinVar (database versions not stated): gnomAD exomes 0.00075 and 0.00201; gnomAD 0.00870 and 0.00930; ESP Exome Variant Server 0.00946; ExAC 0.00249; 1000 Genomes Project 30x 0.00921; 1000 Genomes Project 0.00919; TOPMed 0.00991.
gnomAD v4.1: 2,479 of 1,613,936 alleles (0.15%); highest among the groups gnomAD compares: African/African-American, 2.9%; 41 homozygotes.

Submissions (14):

Myriad Genetics, Inc.
Classification: Likely benign for Oligodontia-cancer predisposition syndrome. Last evaluated: 2026-03-04. Review status: criteria provided, single submitter. Criteria: Myriad Autosomal Dominant, Autosomal Recessive and X-Linked Classification Criteria (2023). Collection method: clinical testing. Allele origin: unknown.
Comment: This variant is considered likely benign. This variant has been observed at a population frequency that is significantly greater than expected given the associated disease prevalence and penetrance.

Labcorp Genetics (formerly Invitae), Labcorp
Classification: Benign for Oligodontia-cancer predisposition syndrome. Last evaluated: 2026-02-04. Review status: criteria provided, single submitter. Criteria: Invitae Variant Classification Sherloc (09022015). Collection method: clinical testing. Allele origin: germline.

Dasa
Classification: Likely benign. Last evaluated: 2025-11-28. Review status: criteria provided, single submitter. Criteria: DASA Assertion Criteria. Collection method: clinical testing. Allele origin: germline.
Comment: NM_004655.4(AXIN2):c.1573C>G (p.Pro525Ala) is a missense variant that results in the substitution of proline with alanine. Population frequency is inconsistent with a disease-causing role for this variant, and observations in unaffected individuals support a benign interpretation. Computational prediction algorithms are consistent with a benign effect. Therefore, based on the currently available evidence, this variant is classified as likely benign.

Quest Diagnostics Nichols Institute San Juan Capistrano
Classification: Benign. Last evaluated: 2025-04-02. Review status: criteria provided, single submitter. Criteria: Quest Diagnostics criteria. Collection method: clinical testing. Allele origin: unknown.

Center for Genomic Medicine, Rigshospitalet, Copenhagen University Hospital
Classification: Benign. Last evaluated: 2025-03-04. Review status: criteria provided, single submitter. Criteria: ACMG Guidelines, 2015. Collection method: clinical testing. Allele origin: germline.

KCCC/NGS Laboratory, Kuwait Cancer Control Center
Classification: Benign for Oligodontia-cancer predisposition syndrome. Last evaluated: 2023-07-07. Review status: criteria provided, single submitter. Criteria: ACMG Guidelines, 2015. Collection method: clinical testing. Allele origin: germline. Affected: yes.

Genetic Services Laboratory, University of Chicago
Classification: Benign. Last evaluated: 2021-04-02. Review status: criteria provided, single submitter. Criteria: ACMG Guidelines, 2015. Collection method: clinical testing. Allele origin: germline. Affected: no.

ARUP Laboratories, Molecular Genetics and Genomics, ARUP Laboratories
Classification: Benign. Last evaluated: 2019-10-11. Review status: criteria provided, single submitter. Criteria: ARUP Molecular Germline Variant Investigation Process. Collection method: clinical testing. Allele origin: germline.

Women's Health and Genetics/Laboratory Corporation of America, LabCorp
Classification: Benign. Last evaluated: 2019-01-15. Review status: criteria provided, single submitter. Criteria: LabCorp Variant Classification Summary - May 2015. Collection method: clinical testing. Allele origin: germline.
Comment: Variant summary: AXIN2 c.1573C>G (p.Pro525Ala) results in a non-conservative amino acid change in the encoded protein sequence. Three of five in-silico tools predict a benign effect of the variant on protein function. The variant allele was found at a frequency of 0.0026 in 277090 control chromosomes in the gnomAD database, including 14 homozygotes. The observed variant frequency is approximately 19-folds higher than the estimated maximal expected allele frequency for a pathogenic variant in AXIN2 causing Colorectal Cancer phenotype (0.00014), strongly suggesting that the variant is benign. To our knowledge, no occurrence of c.1573C>G in individuals affected with Colorectal Cancer and no experimental evidence demonstrating its impact on protein function have been reported. A ClinVar submission from a clinical diagnostic laboratory (evaluation after 2014) cites the variant as benign. Based on the evidence outlined above, the variant was classified as benign.

Ambry Genetics
Classification: Benign for Hereditary cancer-predisposing syndrome. Last evaluated: 2018-09-20. Review status: criteria provided, single submitter. Criteria: Ambry Variant Classification Scheme 2023. Collection method: clinical testing. Allele origin: germline.

GeneDx
Classification: Benign. Last evaluated: 2013-12-02. Review status: criteria provided, single submitter. Criteria: GeneDx Variant Classification (06012015). Collection method: clinical testing. Allele origin: germline. Affected: yes.
Comment: This variant is considered likely benign or benign based on one or more of the following criteria: it is a conservative change, it occurs at a poorly conserved position in the protein, it is predicted to be benign by multiple in silico algorithms, and/or has population frequency not consistent with disease.

Breakthrough Genomics
Classification: Benign. Review status: criteria provided, single submitter. Criteria: ACMG Guidelines, 2015. Collection method: not provided. Allele origin: germline. Inheritance: Autosomal dominant inheritance. Affected: yes.

PreventionGenetics, part of Exact Sciences
Classification: Benign for AXIN2-related condition. Last evaluated: 2019-07-18. Review status: no assertion criteria provided. Collection method: clinical testing. Allele origin: germline. Not counted in ClinVar's aggregate classification.
Comment: This variant is classified as benign based on ACMG/AMP sequence variant interpretation guidelines (Richards et al. 2015 PMID: 25741868, with internal and published modifications).

Mayo Clinic Laboratories, Mayo Clinic
Classification: Likely benign. Review status: no assertion criteria provided. Collection method: clinical testing. Allele origin: unknown. Not counted in ClinVar's aggregate classification.

Literature cited by the submitters: PubMed 28944238 (cited by Quest Diagnostics Nichols Institute San Juan Capistrano).

NM_004655.4(AXIN2):c.1573C>G (p.Pro525Ala)

Gene: AXIN2 (axin 2; minus strand). Cytogenetic location: 17q24.1.
Variant type: single nucleotide variant.
Coding change: c.1573C>G on transcript NM_004655.4 (MANE Select); coding-DNA position 1573, C replaced by G.
Protein change: p.Pro525Ala; replaces proline 525 with alanine.
Molecular consequence: missense variant.
Genome position (GRCh38, 1-based): chr17:65,537,463, G>C on the plus strand (C>G on the coding strand, the complement: AXIN2 is on the minus strand). VCF-style: chr17-65537463-G-C. GRCh37 (hg19) VCF-style: chr17-63533581-G-C.
Other names: p.P525A:CCC>GCC; c.1573C>G, p.Pro525Ala (NM_001363813.1); c.1573C>G (LRG_296t1); short protein forms P525A.
Identifiers: ClinVar variation 136483 (VCV000136483.41), dbSNP rs73346297, ClinGen allele CA289641.